The following is an entry in ClinVar:

NM_000751.3(CHRND):c.1462A>G (p.Ile488Val)

Gene: CHRND (cholinergic receptor nicotinic delta subunit; plus strand). Cytogenetic location: 2q37.1.
Variant type: single nucleotide variant.
Coding change: c.1462A>G on transcript NM_000751.3 (MANE Select); coding-DNA position 1462, A replaced by G.
Protein change: p.Ile488Val; replaces isoleucine 488 with valine.
Molecular consequence: missense variant.
Genome position (GRCh38, 1-based): chr2:232,535,220, A>G. VCF-style: chr2-232535220-A-G. GRCh37 (hg19) VCF-style: chr2-233399930-A-G.
Other names: c.1417A>G, p.Ile473Val (NM_001256657.2); c.880A>G, p.Ile294Val (NM_001311195.2); c.1159A>G, p.Ile387Val (NM_001311196.2); short protein forms I294V, I387V, I473V, I488V.
Identifiers: ClinVar variation 1007340 (VCV001007340.8), dbSNP rs1317082231, ClinGen allele CA351006069.
Genomic context (GRCh38, chr2:232,535,220, plus strand): 5'-ACAGTGGACCGCCTCTGCCTGTTTGTGGTGACGCCTGTCATGGTGGTGGGCACAGCCTGG[A>G]TCTTCCTGCAGGGCGTTTACAACCAGCCACCACCCCAGCCTTTTCCTGGGGACCCCTACT-3'
Protein context (NP_000742.1, residues 478-498): TPVMVVGTAW[Ile488Val]FLQGVYNQPP

ClinVar aggregate classification (germline): Uncertain significance (1 of 4 stars; one submission).

Conditions:
Lethal multiple pterygium syndrome (LMPS). Identifiers: Orphanet 33108, MedGen C1854678, MONDO:0009668, OMIM 253290.

Allele frequency attached by ClinVar (database versions not stated): gnomAD exomes below 0.00001 and 0.00001; gnomAD 0.00001; TOPMed 0.00002.
gnomAD v4.1: 14 of 1,614,030 alleles (0.00087%); highest among the groups gnomAD compares: Non-Finnish European, 0.0011%; no homozygotes.

Submission:

Labcorp Genetics (formerly Invitae), Labcorp
Classification: Uncertain significance for Lethal multiple pterygium syndrome. Last evaluated: 2024-12-29. Review status: criteria provided, single submitter. Criteria: Invitae Variant Classification Sherloc (09022015). Collection method: clinical testing. Allele origin: germline.
Comment: This sequence change replaces isoleucine, which is neutral and non-polar, with valine, which is neutral and non-polar, at codon 488 of the CHRND protein (p.Ile488Val). This variant is present in population databases (no rsID available, gnomAD 0.002%). This variant has not been reported in the literature in individuals affected with CHRND-related conditions. ClinVar contains an entry for this variant (Variation ID: 1007340). Invitae Evidence Modeling of protein sequence and biophysical properties (such as structural, functional, and spatial information, amino acid conservation, physicochemical variation, residue mobility, and thermodynamic stability) has been performed for this missense variant. However, the output from this modeling did not meet the statistical confidence thresholds required to predict the impact of this variant on CHRND protein function. In summary, the available evidence is currently insufficient to determine the role of this variant in disease. Therefore, it has been classified as a Variant of Uncertain Significance.